The following is an entry in ClinVar:

NM_001377.3(DYNC2H1):c.1949T>A (p.Ile650Asn)

Gene: DYNC2H1 (dynein cytoplasmic 2 heavy chain 1; plus strand). Cytogenetic location: 11q22.3.
Variant type: single nucleotide variant.
Coding change: c.1949T>A on transcript NM_001377.3 (MANE Select); coding-DNA position 1949, T replaced by A.
Protein change: p.Ile650Asn; replaces isoleucine 650 with asparagine.
Molecular consequence: missense variant.
Genome position (GRCh38, 1-based): chr11:103,129,001, T>A. VCF-style: chr11-103129001-T-A. GRCh37 (hg19) VCF-style: chr11-102999730-T-A.
Other names: c.1949T>A, p.Ile650Asn (NM_001080463.2); short protein forms I650N.
Identifiers: ClinVar variation 446541 (VCV000446541.4), dbSNP rs1555041449, ClinGen allele CA382256625.
Genomic context (GRCh38, chr11:103,129,001, plus strand): 5'-AAATGATTCAAAGTCAGAGGCCAATGATGTTACAATCTGCCTTAGCATTTGAACAGATAA[T>A]TAAGGTAAATGGGCTTTTAATTTTATTATAATTAGATTTTACATGTGAAGTGTTTAATTC-3'
Protein context (NP_001368.2, residues 640-660): LQSALAFEQI[Ile650Asn]KNSKAGSGGK

ClinVar aggregate classification (germline): Uncertain significance. Review status: criteria provided, single submitter (1 of 4 stars). 3 submissions from 3 submitters: Uncertain significance (1). 2 of the submissions do not count toward it. Last evaluated 2024-07-11.

Conditions:
Asphyxiating thoracic dystrophy 3. Also called: Short rib polydactyly syndrome 2B; POLYDACTYLY WITH NEONATAL CHONDRODYSTROPHY, TYPE I; SHORT-RIB THORACIC DYSPLASIA 3/6 WITH POLYDACTYLY, DIGENIC; Saldino-Noonan Syndrome; SHORT-RIB THORACIC DYSPLASIA 3 WITH OR WITHOUT POLYDACTYLY. Identifiers: Orphanet 474, Orphanet 93269, Orphanet 93270, Orphanet 93271, MedGen C0036069, MONDO:0013127, OMIM 613091.

gnomAD v4.1: 2 of 1,599,576 alleles (0.00013%); highest among the groups gnomAD compares: Non-Finnish European, 0.00017%; no homozygotes.

Submissions (3):

Women's Health and Genetics/Laboratory Corporation of America, LabCorp
Classification: Uncertain significance. Last evaluated: 2024-07-11. Review status: criteria provided, single submitter. Criteria: LabCorp Variant Classification Summary - May 2015. Collection method: clinical testing. Allele origin: germline.
Comment: Variant summary: DYNC2H1 c.1949T>A (p.Ile650Asn) results in a non-conservative amino acid change located in the Dynein heavy chain, tail (IPR013594) of the encoded protein sequence. Four of five in-silico tools predict a damaging effect of the variant on protein function. The variant was absent in 242452 control chromosomes. The available data on variant occurrences in the general population are insufficient to allow any conclusion about variant significance. c.1949T>A has been reported in the literature in at least one compound heterozygous individual affected with Short-rib thoracic dysplasia (e.g. Zhang_2019). These data do not provide sufficient evidence to allow any conclusion about variant significance. To our knowledge, no experimental evidence demonstrating an impact on protein function has been reported. The following publication has been ascertained in the context of this evaluation (PMID: 29068549). ClinVar contains an entry for this variant (Variation ID: 446541). Based on the evidence outlined above, the variant was classified as uncertain significance.

Dan Cohn Lab, University Of California Los Angeles
Classification: Pathogenic for Asphyxiating thoracic dystrophy 3. Last evaluated: 2017-06-01. Review status: no assertion criteria provided. Collection method: research. Allele origin: unknown. Affected: yes. Not counted in ClinVar's aggregate classification.

University of Washington Center for Mendelian Genomics, University of Washington
Classification: Likely pathogenic for Asphyxiating thoracic dystrophy 3. Review status: no assertion criteria provided. Collection method: research. Allele origin: inherited. Affected: yes. Not counted in ClinVar's aggregate classification.

Literature cited by the submitters: PubMed 29068549 (cited by 3 submitters).